The following is an entry in ClinVar:

NM_006420.3(ARFGEF2):c.3857C>T (p.Thr1286Met)

Gene: ARFGEF2 (ARF guanine nucleotide exchange factor 2; plus strand). Cytogenetic location: 20q13.13.
Variant type: single nucleotide variant.
Coding change: c.3857C>T on transcript NM_006420.3 (MANE Select); coding-DNA position 3857, C replaced by T.
Protein change: p.Thr1286Met; replaces threonine 1286 with methionine.
Molecular consequence: missense variant.
Genome position (GRCh38, 1-based): chr20:49,012,023, C>T. VCF-style: chr20-49012023-C-T. GRCh37 (hg19) VCF-style: chr20-47628560-C-T.
Other names: c.3854C>T, p.Thr1285Met (NM_001410846.1); short protein forms T1285M, T1286M.
Identifiers: ClinVar variation 2578259 (VCV002578259.1), dbSNP rs774121482, ClinGen allele CA9899055.

ClinVar aggregate classification (germline): Uncertain significance (1 of 4 stars; one submission).

Allele frequency attached by ClinVar (database versions not stated): gnomAD 0.00001; ExAC 0.00002.
gnomAD v4.1: 15 of 1,614,110 alleles (0.00093%); highest among the groups gnomAD compares: Admixed American, 0.0083%; no homozygotes.

Submission:

GeneDx
Classification: Uncertain significance. Last evaluated: 2023-08-27. Review status: criteria provided, single submitter. Criteria: GeneDx Variant Classification Process June 2021. Collection method: clinical testing. Allele origin: germline. Affected: yes.
Comment: Not observed at a significant frequency in large population cohorts (gnomAD); In silico analysis supports that this missense variant has a deleterious effect on protein structure/function; Has not been previously published as pathogenic or benign to our knowledge